The following is an entry in ClinVar:

ClinVar aggregate classification (germline): Uncertain significance (1 of 4 stars; one submission).

Submission:

GeneDx
Classification: Uncertain significance. Last evaluated: 2024-03-09. Review status: criteria provided, single submitter. Criteria: GeneDx Variant Classification Process June 2021. Collection method: clinical testing. Allele origin: germline. Affected: yes.
Comment: Not observed at significant frequency in large population cohorts (gnomAD); In silico analysis supports that this missense variant does not alter protein structure/function; Has not been previously published as pathogenic or benign to our knowledge

NM_001130438.3(SPTAN1):c.2083T>C (p.Tyr695His)

Gene: SPTAN1 (spectrin alpha, non-erythrocytic 1; plus strand). Cytogenetic location: 9q34.11.
Variant type: single nucleotide variant.
Coding change: c.2083T>C on transcript NM_001130438.3 (MANE Select); coding-DNA position 2083, T replaced by C.
Protein change: p.Tyr695His; replaces tyrosine 695 with histidine.
Molecular consequence: missense variant.
Genome position (GRCh38, 1-based): chr9:128,583,859, T>C. VCF-style: chr9-128583859-T-C. GRCh37 (hg19) VCF-style: chr9-131346138-T-C.
Other names: c.2083T>C, p.Tyr695His (NM_001195532.2, NM_001363759.2, NM_001363765.2 and 5 more transcripts); c.2119T>C, p.Tyr707His (NM_001375312.2, NM_001375318.1); short protein forms Y695H, Y707H.
Identifiers: ClinVar variation 3370782 (VCV003370782.1).